The following is an entry in ClinVar:

NM_000426.4(LAMA2):c.5695C>T (p.Gln1899Ter)

Gene: LAMA2 (laminin subunit alpha 2; plus strand). Cytogenetic location: 6q22.33.
Variant type: single nucleotide variant.
Coding change: c.5695C>T on transcript NM_000426.4 (MANE Select); coding-DNA position 5695, C replaced by T.
Protein change: p.Gln1899Ter; replaces glutamine 1899 with a stop codon.
Molecular consequence: nonsense.
Genome position (GRCh38, 1-based): chr6:129,402,456, C>T. VCF-style: chr6-129402456-C-T. GRCh37 (hg19) VCF-style: chr6-129723601-C-T.
Other names: c.5695C>T, p.Gln1899Ter (NM_001079823.2); short protein forms Q1899*.
Identifiers: ClinVar variation 5014211 (VCV005014211.1).

ClinVar aggregate classification (germline): Pathogenic (1 of 4 stars; one submission).

Conditions:
LAMA2-related muscular dystrophy (LAMA2-RD). Also called: Laminin alpha 2-related dystrophy. Identifiers: MedGen C5679788, MONDO:0100228.

Submission:

Myriad Genetics, Inc.
Classification: Pathogenic for LAMA2-related muscular dystrophy. Last evaluated: 2025-03-14. Review status: criteria provided, single submitter. Criteria: Myriad Autosomal Dominant, Autosomal Recessive and X-Linked Classification Criteria (2023). Collection method: clinical testing. Allele origin: unknown.
Comment: NM_000426.3(LAMA2):c.5695C>T(Q1899*) is expected to be pathogenic in the context of muscular dystrophy, LAMA2-related. This variant is predicted to lead to an abnormal or absent protein product due to the creation of a premature termination codon in LAMA2, a gene where loss-of-function variants are known to be pathogenic. Please note: this variant was assessed in the context of healthy population screening.